The following is an entry in ClinVar:

NM_001365999.1(SZT2):c.4915C>T (p.Arg1639Trp)

Gene: SZT2 (SZT2 subunit of KICSTOR complex; plus strand). Cytogenetic location: 1p34.2.
Variant type: single nucleotide variant.
Coding change: c.4915C>T on transcript NM_001365999.1 (MANE Select); coding-DNA position 4915, C replaced by T.
Protein change: p.Arg1639Trp; replaces arginine 1639 with tryptophan.
Molecular consequence: missense variant.
Genome position (GRCh38, 1-based): chr1:43,431,089, C>T. VCF-style: chr1-43431089-C-T. GRCh37 (hg19) VCF-style: chr1-43896760-C-T.
Other names: c.4744C>T, p.Arg1582Trp (NM_015284.4); c.4744C>T (NM_015284.3); short protein forms R1639W, R1582W.
Identifiers: ClinVar variation 1500611 (VCV001500611.6), dbSNP rs753322092, ClinGen allele CA809401.

ClinVar aggregate classification (germline): Uncertain significance. Review status: criteria provided, multiple submitters, no conflicts (2 of 4 stars). 2 submissions from 2 submitters: Uncertain significance (2). Last evaluated 2026-08-05.

Conditions:
Inborn genetic diseases. Identifiers: MedGen C0950123, MeSH D030342.

gnomAD v4.1: 46 of 1,611,834 alleles (0.0029%); highest among the groups gnomAD compares: Non-Finnish European, 0.0037%; no homozygotes.

Submissions (2):

Ambry Genetics
Classification: Uncertain significance for Inborn genetic diseases. Last evaluated: 2026-08-05. Review status: criteria provided, single submitter. Criteria: Ambry Variant Classification Scheme 2023. Collection method: clinical testing. Allele origin: germline.
Comment: The c.4744C>T (p.R1582W) alteration is located in exon 32 (coding exon 32) of the SZT2 gene. This alteration results from a C to T substitution at nucleotide position 4744, causing the arginine (R) at amino acid position 1582 to be replaced by a tryptophan (W). Based on data from gnomAD, the T allele has an overall frequency of 0.001% (4/279750) total alleles studied. The highest observed frequency was 0.003% (4/128030) of European (non-Finnish) alleles. Based on insufficient or conflicting evidence, the clinical significance of this alteration remains unclear.

Labcorp Genetics (formerly Invitae), Labcorp
Classification: Uncertain significance. Last evaluated: 2022-05-29. Review status: criteria provided, single submitter. Criteria: Invitae Variant Classification Sherloc (09022015). Collection method: clinical testing. Allele origin: germline.
Comment: In summary, the available evidence is currently insufficient to determine the role of this variant in disease. Therefore, it has been classified as a Variant of Uncertain Significance. Algorithms developed to predict the effect of sequence changes on RNA splicing suggest that this variant may disrupt the consensus splice site. Algorithms developed to predict the effect of missense changes on protein structure and function (SIFT, PolyPhen-2, Align-GVGD) all suggest that this variant is likely to be disruptive. ClinVar contains an entry for this variant (Variation ID: 1500611). This variant has not been reported in the literature in individuals affected with SZT2-related conditions. This variant is present in population databases (rs753322092, gnomAD 0.003%). This sequence change replaces arginine, which is basic and polar, with tryptophan, which is neutral and slightly polar, at codon 1582 of the SZT2 protein (p.Arg1582Trp).